The following is an entry in ClinVar:

NM_024685.4(BBS10):c.161T>G (p.Leu54Arg)

Gene: BBS10 (Bardet-Biedl syndrome 10; minus strand). Cytogenetic location: 12q21.2.
Variant type: single nucleotide variant.
Coding change: c.161T>G on transcript NM_024685.4 (MANE Select); coding-DNA position 161, T replaced by G.
Protein change: p.Leu54Arg; replaces leucine 54 with arginine.
Molecular consequence: missense variant.
Genome position (GRCh38, 1-based): chr12:76,348,198, A>C on the plus strand (T>G on the coding strand, the complement: BBS10 is on the minus strand). VCF-style: chr12-76348198-A-C. GRCh37 (hg19) VCF-style: chr12-76741978-A-C.
Other names: short protein forms L54R.
Identifiers: ClinVar variation 4978386 (VCV004978386.1).

ClinVar aggregate classification (germline): Uncertain significance (1 of 4 stars; one submission).

Conditions:
BBS10-related disorder. Also called: BBS10-related condition.

gnomAD v4.1: 2 of 1,613,316 alleles (0.00012%); highest among the groups gnomAD compares: Non-Finnish European, 0.00017%; no homozygotes.

Submission:

PreventionGenetics, part of Exact Sciences
Classification: Uncertain significance for BBS10-related condition. Last evaluated: 2026-08-11. Review status: criteria provided, single submitter. Criteria: ACMG Guidelines, 2015. Collection method: clinical testing. Allele origin: germline.
Comment: The BBS10 c.161T>G variant is predicted to result in the amino acid substitution p.Leu54Arg. To our knowledge, this variant has not been reported in the literature or in a large population database (gnomAD), indicating this variant is rare. At this time, the clinical significance of this variant is uncertain due to the absence of conclusive functional and genetic evidence.